The following is an entry in ClinVar:

ClinVar aggregate classification (germline): Likely benign. Review status: criteria provided, multiple submitters, no conflicts (2 of 4 stars). 4 submissions from 4 submitters: Likely benign (3). 1 of the submissions does not count toward it. Last evaluated 2024-05-14.

Conditions:
Familial thoracic aortic aneurysm and aortic dissection (TAAD). Also called: Thoracic aortic aneurysms and dissections. Identifiers: Orphanet 91387, MedGen C4707243, MONDO:0019625.
FBN1-related disorder. Also called: FBN1-related disorders.
Marfan syndrome (MFS). Also called: MARFAN SYNDROME, TYPE I; Marfan syndrome type 1; Marfan's syndrome; Marfan syndrome, classic; FBN1-Related Marfan Syndrome. Identifiers: Orphanet 284963, Orphanet 558, MedGen C0024796, MONDO:0007947, OMIM 154700.

Allele frequency attached by ClinVar (database versions not stated): ExAC 0.00001; gnomAD 0.00005; ESP Exome Variant Server 0.00008; TOPMed 0.00003; gnomAD exomes 0.00001.
gnomAD v4.1: 15 of 1,613,990 alleles (0.00093%); highest among the groups gnomAD compares: African/African-American, 0.02%; no homozygotes.

Submissions (4):

All of Us Research Program, National Institutes of Health
Classification: Likely benign for Marfan syndrome. Last evaluated: 2024-05-14. Review status: criteria provided, single submitter. Criteria: ACMG Guidelines, 2015. Collection method: clinical testing. Allele origin: germline. Inheritance: Autosomal dominant inheritance. Observed: 5 variant alleles, 5 heterozygotes.
Comment: This study involves interpretation of variants in research participants for the purpose of population health screening. Participant phenotype was not available at the time of variant classification. Additional details can be found in publication PMID: 35346344, PMCID: PMC8962531

Ambry Genetics
Classification: Likely benign for Familial thoracic aortic aneurysm and aortic dissection. Last evaluated: 2022-05-17. Review status: criteria provided, single submitter. Criteria: Ambry Variant Classification Scheme 2023. Collection method: clinical testing. Allele origin: germline.

Labcorp Genetics (formerly Invitae), Labcorp
Classification: Likely benign for Marfan syndrome; Familial thoracic aortic aneurysm and aortic dissection. Last evaluated: 2021-04-23. Review status: criteria provided, single submitter. Criteria: Invitae Variant Classification Sherloc (09022015). Collection method: clinical testing. Allele origin: germline.

PreventionGenetics, part of Exact Sciences
Classification: Likely benign for FBN1-related condition. Last evaluated: 2024-07-22. Review status: no assertion criteria provided. Collection method: clinical testing. Allele origin: germline. Not counted in ClinVar's aggregate classification.
Comment: This variant is classified as likely benign based on ACMG/AMP sequence variant interpretation guidelines (Richards et al. 2015 PMID: 25741868, with internal and published modifications).

NM_000138.5(FBN1):c.2445T>G (p.Pro815=)

Gene: FBN1 (fibrillin 1; minus strand). Cytogenetic location: 15q21.1.
Variant type: single nucleotide variant.
Coding change: c.2445T>G on transcript NM_000138.5 (MANE Select); coding-DNA position 2445, T replaced by G.
Protein change: p.Pro815=; no amino-acid change (proline 815 retained).
Molecular consequence: synonymous variant.
Genome position (GRCh38, 1-based): chr15:48,495,563, A>C on the plus strand (T>G on the coding strand, the complement: FBN1 is on the minus strand). VCF-style: chr15-48495563-A-C. GRCh37 (hg19) VCF-style: chr15-48787760-A-C.
Identifiers: ClinVar variation 1461090 (VCV001461090.12), dbSNP rs368004231, ClinGen allele CA047655.